The following is an entry in ClinVar:

NM_015311.3(OBSL1):c.3080dup (p.Glu1028fs)

Gene: OBSL1 (obscurin like cytoskeletal adaptor 1; minus strand). Cytogenetic location: 2q35.
Variant type: Duplication.
Coding change: c.3080dup on transcript NM_015311.3 (MANE Select); coding-DNA position 3080, one base duplicated (T; older notation c.3080dupT).
Protein change: p.Glu1028fs; shifts the reading frame from glutamic acid 1028.
Molecular consequence: frameshift variant.
Genome position (GRCh38, 1-based): chr2:219,559,371, A duplicated on the plus strand (T on the coding strand, the reverse complement: OBSL1 is on the minus strand). VCF-style (leftmost placement, unchanged base first): chr2-219559370-C-CA. GRCh37 (hg19) VCF-style: chr2-220424092-C-CA.
Other names: c.3080dup, p.Glu1028fs (NM_001173431.2); short protein forms E1028fs.
Identifiers: ClinVar variation 3382459 (VCV003382459.2).

ClinVar aggregate classification (germline): Likely pathogenic (1 of 4 stars; one submission).

Conditions:
3M syndrome 2. Also called: THREE M SYNDROME 2; 3-M Syndrome, OBSL1-Related. Identifiers: Orphanet 2616, MedGen C2752041, MONDO:0013039, OMIM 612921.

Submission:

Juno Genomics, Hangzhou Juno Genomics, Inc
Classification: Likely pathogenic for 3M syndrome 2. Review status: criteria provided, single submitter. Criteria: ACMG Guidelines, 2015. Collection method: clinical testing. Allele origin: germline. Affected: yes.
Comment: Absent from controls (or at extremely low frequency if recessive) in Genome Aggregation Database, Exome Sequencing Project, 1000 Genomes Project, or Exome Aggregation Consortium.;Null variant in a gene where loss of function (LOF) is a known mechanism of disease.